The following is an entry in ClinVar:

NC_000017.10:g.(41256974_41258472)_(41267797_41276033)del

Gene: BRCA1 (BRCA1 DNA repair associated; minus strand). Cytogenetic location: 17q21.31.
Variant type: Deletion.
Identifiers: ClinVar variation 1722423 (VCV001722423.1).

ClinVar aggregate classification (germline): Pathogenic (1 of 4 stars; one submission).

Conditions:
Hereditary breast ovarian cancer syndrome. Also called: BRCA1- and BRCA2-Associated Hereditary Breast and Ovarian Cancer; Hereditary breast and ovarian cancer syndrome (HBOC); Hereditary breast and ovarian cancer syndrome; Hereditary breast and ovarian cancer; Hereditary breast and/or ovarian cancer syndrome; Breast and ovarian cancer. Identifiers: Orphanet 145, MedGen C0677776, MeSH D061325, MONDO:0003582. Disease mechanism: loss of function.

Submission:

Women's Health and Genetics/Laboratory Corporation of America, LabCorp
Classification: Pathogenic for Hereditary breast ovarian cancer syndrome. Last evaluated: 2022-09-02. Review status: criteria provided, single submitter. Criteria: LabCorp Variant Classification Summary - May 2015. Collection method: clinical testing. Allele origin: germline.
Comment: Variant summary: The variant identified by MLPA or other technology involves the deletion of exons 3-4 (also known as exons 3-5) in the BRCA1 gene. A presumed nomenclature of c.(80+1_81-1)_(212+1_213-1)del has been designated for the purposes of this classification. Although exact breakpoints of this deletion are not known, it is expected to result in a large in-frame deletion change in the BRCA1 gene, a known mechanism of disease. The variant was absent in 21358 control chromosomes. c.(80+1_81-1)_(212+1_213-1)del has been reported in the literature in individuals affected with Hereditary Breast And Ovarian Cancer Syndrome. These data indicate that the variant is likely to be associated with disease. No clinical diagnostic laboratories have submitted clinical-significance assessments for this variant to ClinVar after 2014. Based on the evidence outlined above, the variant was classified as pathogenic.

Literature cited by the submitters: PubMed 23479189; PubMed 23117300.